The following is an entry in ClinVar:

NM_003107.3(SOX4):c.626G>A (p.Gly209Asp)

Gene: SOX4 (SRY-box transcription factor 4; plus strand). Cytogenetic location: 6p22.3.
Variant type: single nucleotide variant.
Coding change: c.626G>A on transcript NM_003107.3 (MANE Select); coding-DNA position 626, G replaced by A.
Protein change: p.Gly209Asp; replaces glycine 209 with aspartic acid.
Molecular consequence: missense variant.
Genome position (GRCh38, 1-based): chr6:21,595,160, G>A. VCF-style: chr6-21595160-G-A. GRCh37 (hg19) VCF-style: chr6-21595391-G-A.
Other names: short protein forms G209D.
Identifiers: ClinVar variation 4975099 (VCV004975099.1).

ClinVar aggregate classification (germline): Uncertain significance (1 of 4 stars; one submission).

Submission:

GeneDx
Classification: Uncertain significance. Last evaluated: 2026-03-17. Review status: criteria provided, single submitter. Criteria: GeneDx Variant Classification Process June 2021. Collection method: clinical testing. Allele origin: germline.
Comment: Not observed at significant frequency in large population cohorts (gnomAD); In silico analysis suggests that this missense variant does not alter protein structure/function; Has not been previously published as pathogenic or benign to our knowledge